The following is an entry in ClinVar:

NM_000089.4(COL1A2):c.685G>A (p.Gly229Ser)

Gene: COL1A2 (collagen type I alpha 2 chain; plus strand). Cytogenetic location: 7q21.3.
Variant type: single nucleotide variant.
Coding change: c.685G>A on transcript NM_000089.4 (MANE Select); coding-DNA position 685, G replaced by A.
Protein change: p.Gly229Ser; replaces glycine 229 with serine.
Molecular consequence: missense variant.
Genome position (GRCh38, 1-based): chr7:94,408,228, G>A. VCF-style: chr7-94408228-G-A. GRCh37 (hg19) VCF-style: chr7-94037540-G-A.
Other names: short protein forms G229S.
Identifiers: ClinVar variation 2941684 (VCV002941684.3), dbSNP rs2484705722, ClinGen allele CA368220306.
Genomic context (GRCh38, chr7:94,408,228, plus strand): 5'-TATTTCTGCTTCTAGGGAGCCCGTGGGCTTCCTGGTGAGAGAGGACGTGTTGGTGCCCCT[G>A]GCCCAGCTGTAAGTGCTTCCATTTTTGTTCAGTTTCATCCTTTTAAAAAATCTTCTAATG-3'
Protein context (NP_000080.2, residues 219-239): PGERGRVGAP[Gly229Ser]PAGARGSDGS

ClinVar aggregate classification (germline): Likely pathogenic (1 of 4 stars; one submission).

Conditions:
Osteogenesis imperfecta type I (OI1). Also called: Lobstein disease; OI, TYPE I; OSTEOGENESIS IMPERFECTA TARDA; OSTEOGENESIS IMPERFECTA WITH BLUE SCLERAE; Osteogenesis imperfecta type 1; Lobstein's Disease. Identifiers: Orphanet 216796, Orphanet 666, MedGen C0023931, MONDO:0008146, OMIM 166200. Disease mechanism: loss of function.
Ehlers-Danlos syndrome, classic type, 1 (EDSCL1). Also called: EDS I; EHLERS-DANLOS SYNDROME, GRAVIS TYPE; EHLERS-DANLOS SYNDROME, SEVERE CLASSIC TYPE; Ehlers-Danlos syndrome, type 1; Ehlers-Danlos Syndrome, Classic Type, COL5A1-Related. Identifiers: MedGen C0268335, MONDO:0019567, OMIM 130000.

Submission:

Labcorp Genetics (formerly Invitae), Labcorp
Classification: Likely pathogenic for Osteogenesis imperfecta type I; Ehlers-Danlos syndrome, classic type, 1. Last evaluated: 2023-01-09. Review status: criteria provided, single submitter. Criteria: Invitae Variant Classification Sherloc (09022015). Collection method: clinical testing. Allele origin: germline.
Comment: This sequence change replaces glycine, which is neutral and non-polar, with serine, which is neutral and polar, at codon 229 of the COL1A2 protein (p.Gly229Ser). This variant is not present in population databases (gnomAD no frequency). In summary, the currently available evidence indicates that the variant is pathogenic, but additional data are needed to prove that conclusively. Therefore, this variant has been classified as Likely Pathogenic. This variant disrupts the triple helix domain of COL1A2. Glycine residues within the Gly-Xaa-Yaa repeats of the triple helix domain are required for the structure and stability of fibrillar collagens (PMID: 7695699, 8218237, 19344236). In COL1A2, variants affecting these glycine residues are significantly enriched in individuals with disease (PMID: 9016532, 17078022) compared to the general population (ExAC). Advanced modeling of protein sequence and biophysical properties (such as structural, functional, and spatial information, amino acid conservation, physicochemical variation, residue mobility, and thermodynamic stability) performed at Invitae indicates that this missense variant is expected to disrupt COL1A2 protein function. This variant has not been reported in the literature in individuals affected with COL1A2-related conditions.

Literature cited by the submitters: PubMed 7695699; PubMed 8218237; PubMed 19344236; PubMed 9016532; PubMed 17078022.